The following is an entry in ClinVar:

NM_002024.6(FMR1):c.1726G>A (p.Gly576Arg)

Gene: FMR1 (fragile X messenger ribonucleoprotein 1; plus strand). Cytogenetic location: Xq27.3.
Variant type: single nucleotide variant.
Coding change: c.1726G>A on transcript NM_002024.6 (MANE Select); coding-DNA position 1726, G replaced by A.
Protein change: p.Gly576Arg; replaces glycine 576 with arginine.
Molecular consequence: missense variant. On other transcripts: non-coding transcript variant (2).
Genome position (GRCh38, 1-based): chrX:147,945,605, G>A. VCF-style: chrX-147945605-G-A. GRCh37 (hg19) VCF-style: chrX-147027125-G-A.
Other names: c.1455G>A, p.Met485Ile (NM_001185075.2); c.1663G>A, p.Gly555Arg (NM_001185076.2); c.1392G>A, p.Met464Ile (NM_001185081.2); c.1588G>A, p.Gly530Arg (NM_001185082.2); short protein forms G576R, M485I, G555R, M464I, G530R.
Identifiers: ClinVar variation 452357 (VCV000452357.2), dbSNP rs1557181811, ClinGen allele CA414448165.

ClinVar aggregate classification (germline): Uncertain significance (1 of 4 stars; one submission).

Allele frequency attached by ClinVar (database versions not stated): gnomAD exomes below 0.00001.
gnomAD v4.1: 3 of 1,195,479 alleles (0.00025%); highest among the groups gnomAD compares: Admixed American, 0.0065%; no homozygotes.

Submission:

GeneDx
Classification: Uncertain significance. Last evaluated: 2017-09-25. Review status: criteria provided, single submitter. Criteria: GeneDx Variant Classification (06012015). Collection method: clinical testing. Allele origin: germline. Affected: yes.
Comment: The G576R variant in the FMR1 gene has not been reported previously as a pathogenic variant, nor as a benign variant, to our knowledge. The G576R variant is not observed in large population cohorts (Lek et al., 2016). The G576R variant is a non-conservative amino acid substitution, which is likely toimpact secondary protein structure as these residues differ in polarity, charge, size, and/or other properties. This substitution occurs at a position that is conserved across species. In silico analysis is inconsistent in its predictions as to whether or not the variant is damaging to the protein structure/function. We interpret G576R as a variant of uncertain significance.